The following is an entry in ClinVar:

NM_001206927.2(DNAH8):c.7584C>T (p.Pro2528=)

Gene: DNAH8 (dynein axonemal heavy chain 8; plus strand). Cytogenetic location: 6p21.2.
Variant type: single nucleotide variant.
Coding change: c.7584C>T on transcript NM_001206927.2 (MANE Select); coding-DNA position 7584, C replaced by T.
Protein change: p.Pro2528=; no amino-acid change (proline 2528 retained).
Molecular consequence: synonymous variant.
Genome position (GRCh38, 1-based): chr6:38,873,340, C>T. VCF-style: chr6-38873340-C-T. GRCh37 (hg19) VCF-style: chr6-38841116-C-T.
Other names: p.Pro2528=; c.6933C>T, p.Pro2311= (NM_001371.4).
Identifiers: ClinVar variation 454593 (VCV000454593.34), dbSNP rs748939836, ClinGen allele CA3789959.

ClinVar aggregate classification (germline): Likely benign. Review status: criteria provided, multiple submitters, no conflicts (2 of 4 stars). 3 submissions from 3 submitters: Likely benign (3). Last evaluated 2025-12-13.

Conditions:
Primary ciliary dyskinesia. Also called: Ciliary dyskinesia. Identifiers: Orphanet 244, MedGen C0008780, MONDO:0016575, HP:0012265.

Allele frequency attached by ClinVar (database versions not stated): gnomAD 0.00004 and 0.00005; TOPMed 0.00006.
gnomAD v4.1: 91 of 1,611,366 alleles (0.0056%); highest among the groups gnomAD compares: Middle Eastern, 0.049%; no homozygotes.

Submissions (3):

Labcorp Genetics (formerly Invitae), Labcorp
Classification: Likely benign for Primary ciliary dyskinesia. Last evaluated: 2025-12-13. Review status: criteria provided, single submitter. Criteria: Invitae Variant Classification Sherloc (09022015). Collection method: clinical testing. Allele origin: germline.

Mayo Clinic Laboratories, Mayo Clinic
Classification: Likely benign. Last evaluated: 2025-10-16. Review status: criteria provided, single submitter. Criteria: ACMG Guidelines, 2015. Collection method: clinical testing. Allele origin: germline. Observed: 1 variant allele.
Comment: BP4, BP7

CeGaT Center for Human Genetics Tuebingen
Classification: Likely benign. Last evaluated: 2023-06-01. Review status: criteria provided, single submitter. Criteria: CeGaT Center For Human Genetics Tuebingen Variant Classification Criteria Version 2. Collection method: clinical testing. Allele origin: germline. Affected: yes. Observed: 1 variant allele.
Comment: DNAH8: BP4, BP7